The following is an entry in ClinVar:

NM_021942.6(TRAPPC11):c.2627A>G (p.Lys876Arg)

Gene: TRAPPC11 (trafficking protein particle complex subunit 11; plus strand). Cytogenetic location: 4q35.1.
Variant type: single nucleotide variant.
Coding change: c.2627A>G on transcript NM_021942.6 (MANE Select); coding-DNA position 2627, A replaced by G.
Protein change: p.Lys876Arg; replaces lysine 876 with arginine.
Molecular consequence: missense variant.
Genome position (GRCh38, 1-based): chr4:183,694,722, A>G. VCF-style: chr4-183694722-A-G. GRCh37 (hg19) VCF-style: chr4-184615875-A-G.
Other names: c.2627A>G, p.Lys876Arg (NM_199053.3); short protein forms K876R.
Identifiers: ClinVar variation 450745 (VCV000450745.2), dbSNP rs758227044, ClinGen allele CA3152241.

ClinVar aggregate classification (germline): Likely pathogenic (1 of 4 stars; one submission).

Allele frequency attached by ClinVar (database versions not stated): ExAC 0.00002; gnomAD exomes 0.00001.
gnomAD v4.1: 5 of 1,604,570 alleles (0.00031%); highest among the groups gnomAD compares: South Asian, 0.0011%; no homozygotes.

Submission:

GeneDx
Classification: Likely pathogenic. Last evaluated: 2017-07-26. Review status: criteria provided, single submitter. Criteria: GeneDx Variant Classification (06012015). Collection method: clinical testing. Allele origin: germline. Affected: yes.
Comment: The c.2627A>G variant in the TRAPPC11 gene has not been reported previously as a pathogenic variant nor as a benign variant, to our knowledge. The c.2627A>G variant is not observed at a significant frequency in large population cohorts (Lek et al., 2016; 1000 Genomes Consortium et al., 2015; Exome Variant Server). In-silico splice models predict that c.2627A>G may cause the loss of the natural splice donor site in intron 23 which could lead to abnormal gene splicing; however, in the absence of RNA/functional studies, the actual effect of the c.2627A>G change in this individual is unknown. If c.2627A>G does not alter splicing, it will result in the K876R missense change. The K876R variant is a conservative amino acid substitution and occurs at a position where amino acids with similar properties to Lysine are tolerated across species. In silico analysis is inconsistent in its predictions as to whether or not the variant is damaging to the protein structure/function. We interpret c.2627A>G as a likely pathogenic variant.